The following is an entry in ClinVar:

NM_001453.3(FOXC1):c.632G>T (p.Gly211Val)

Gene: FOXC1 (forkhead box C1; plus strand). Cytogenetic location: 6p25.3.
Variant type: single nucleotide variant.
Coding change: c.632G>T on transcript NM_001453.3 (MANE Select); coding-DNA position 632, G replaced by T.
Protein change: p.Gly211Val; replaces glycine 211 with valine.
Molecular consequence: missense variant.
Genome position (GRCh38, 1-based): chr6:1,611,077, G>T. VCF-style: chr6-1611077-G-T. GRCh37 (hg19) VCF-style: chr6-1611312-G-T.
Other names: short protein forms G211V.
Identifiers: ClinVar variation 4982925 (VCV004982925.1).

ClinVar aggregate classification (germline): Uncertain significance (1 of 4 stars; one submission).

Conditions:
FOXC1-related disorder. Also called: FOXC1-related condition.

Submission:

PreventionGenetics, part of Exact Sciences
Classification: Uncertain significance for FOXC1-related condition. Last evaluated: 2026-04-14. Review status: criteria provided, single submitter. Criteria: ACMG Guidelines, 2015. Collection method: clinical testing. Allele origin: germline.
Comment: The FOXC1 c.632G>T variant is predicted to result in the amino acid substitution p.Gly211Val. To our knowledge, this variant has not been reported in the literature or in a large population database (gnomAD), indicating this variant is rare. At this time, the clinical significance of this variant is uncertain due to the absence of conclusive functional and genetic evidence.